The following is an entry in ClinVar:

NM_172107.4(KCNQ2):c.1625C>T (p.Ala542Val)

Gene: KCNQ2 (potassium voltage-gated channel subfamily Q member 2; minus strand). Cytogenetic location: 20q13.33.
Variant type: single nucleotide variant.
Coding change: c.1625C>T on transcript NM_172107.4 (MANE Select); coding-DNA position 1625, C replaced by T.
Protein change: p.Ala542Val; replaces alanine 542 with valine.
Molecular consequence: missense variant.
Genome position (GRCh38, 1-based): chr20:63,414,094, G>A on the plus strand (C>T on the coding strand, the complement: KCNQ2 is on the minus strand). VCF-style: chr20-63414094-G-A. GRCh37 (hg19) VCF-style: chr20-62045447-G-A.
Other names: p.A542V:GCC>GTC; c.1571C>T, p.Ala524Val (NM_001382235.1, NM_172106.3); c.1568C>T, p.Ala523Val (NM_001439003.1); c.1538C>T, p.Ala513Val (NM_001439004.1); c.1541C>T, p.Ala514Val (NM_004518.6); c.1532C>T, p.Ala511Val (NM_172108.5); short protein forms A542V, A514V, A524V, A511V, A513V, A523V.
Identifiers: ClinVar variation 205949 (VCV000205949.4), dbSNP rs796052648, ClinGen allele CA315567.

ClinVar aggregate classification (germline): Uncertain significance (1 of 4 stars; one submission).

Submission:

GeneDx
Classification: Uncertain significance. Last evaluated: 2015-01-17. Review status: criteria provided, single submitter. Criteria: GeneDx Variant Classification (06012015). Collection method: clinical testing. Allele origin: germline. Affected: yes.
Comment: p.Ala542Val (GCC>GTC): c.1625 C>T in exon 14 of the KCNQ2 gene (NM_172107.2) A variant of unknown significance has been identified in the KCNQ2 gene. The A542V variant has not been published as a mutation, nor has it been reported as a benign polymorphism to our knowledge. It was not observed in approximately 6,500 individuals of European and African American ancestry in the NHLBI Exome Sequencing Project, indicating it is not a common benign variant in these populations. This substitution occurs at a position that is conserved across species, and missense mutations in nearby residues have been reported in association with KCNQ2-related disorders, supporting the functional importance of this region of the protein. Additionally, in silico analysis predicts this variant is probably damaging to the protein structure/function. However, the A542V variant is a conservative amino acid substitution, which is not likely to impact secondary protein structure as these residues share similar properties. Therefore, based on the currently available information, it is unclear whether this variant is a pathogenic mutation or a rare benign variant. The variant is found in INFANTV2-EPIV2-1 panel(s).